The following is an entry in ClinVar:

NM_001080517.3(SETD5):c.2443A>G (p.Ser815Gly)

Gene: SETD5 (SET domain containing 5; plus strand). Cytogenetic location: 3p25.3.
Variant type: single nucleotide variant.
Coding change: c.2443A>G on transcript NM_001080517.3 (MANE Select); coding-DNA position 2443, A replaced by G.
Protein change: p.Ser815Gly; replaces serine 815 with glycine.
Molecular consequence: missense variant.
Genome position (GRCh38, 1-based): chr3:9,453,835, A>G. VCF-style: chr3-9453835-A-G. GRCh37 (hg19) VCF-style: chr3-9495519-A-G.
Other names: c.2149A>G, p.Ser717Gly (NM_001292043.2, NM_001349451.2); short protein forms S717G, S815G.
Identifiers: ClinVar variation 3384272 (VCV003384272.1).
Genomic context (GRCh38, chr3:9,453,835, plus strand): 5'-CAAACATCATCTGTACCCCAAGAGACTAGAACTCAGCACCTATACCAAAGCAATGAGAAT[A>G]GTAGCTCTTCTAGTATCTGCAAAGACAATGCAGGTACGTATCTAAAACCTTTCTGATTAT-3'
Protein context (NP_001073986.1, residues 805-825): TQHLYQSNEN[Ser815Gly]SSSSICKDNA

ClinVar aggregate classification (germline): Uncertain significance (1 of 4 stars; one submission).

Submission:

GeneDx
Classification: Uncertain significance. Last evaluated: 2024-06-07. Review status: criteria provided, single submitter. Criteria: GeneDx Variant Classification Process June 2021. Collection method: clinical testing. Allele origin: germline. Affected: yes.
Comment: Not observed at significant frequency in large population cohorts (gnomAD); In silico analysis indicates that this missense variant does not alter protein structure/function; Has not been previously published as pathogenic or benign to our knowledge